The following is an entry in ClinVar:

NM_005802.5(TOPORS):c.2942C>T (p.Thr981Ile)

Gene: TOPORS (TOP1 binding arginine/serine rich protein, E3 ubiquitin ligase; minus strand). Cytogenetic location: 9p21.1.
Variant type: single nucleotide variant.
Coding change: c.2942C>T on transcript NM_005802.5 (MANE Select); coding-DNA position 2942, C replaced by T.
Protein change: p.Thr981Ile; replaces threonine 981 with isoleucine.
Molecular consequence: missense variant.
Genome position (GRCh38, 1-based): chr9:32,541,583, G>A on the plus strand (C>T on the coding strand, the complement: TOPORS is on the minus strand). VCF-style: chr9-32541583-G-A. GRCh37 (hg19) VCF-style: chr9-32541581-G-A.
Other names: c.2747C>T, p.Thr916Ile (NM_001195622.2); short protein forms T916I, T981I.
Identifiers: ClinVar variation 1397992 (VCV001397992.8), dbSNP rs2118964265, ClinGen allele CA373159896.

ClinVar aggregate classification (germline): Uncertain significance (1 of 4 stars; one submission).

Submission:

Labcorp Genetics (formerly Invitae), Labcorp
Classification: Uncertain significance. Last evaluated: 2022-06-13. Review status: criteria provided, single submitter. Criteria: Invitae Variant Classification Sherloc (09022015). Collection method: clinical testing. Allele origin: germline.
Comment: In summary, the available evidence is currently insufficient to determine the role of this variant in disease. Therefore, it has been classified as a Variant of Uncertain Significance. Algorithms developed to predict the effect of missense changes on protein structure and function output the following: SIFT: "Deleterious"; PolyPhen-2: "Not Available"; Align-GVGD: "Class C0". The isoleucine amino acid residue is found in multiple mammalian species, which suggests that this missense change does not adversely affect protein function. This variant has not been reported in the literature in individuals affected with TOPORS-related conditions. This variant is not present in population databases (gnomAD no frequency). This sequence change replaces threonine, which is neutral and polar, with isoleucine, which is neutral and non-polar, at codon 981 of the TOPORS protein (p.Thr981Ile).